The following is an entry in ClinVar:

NM_000203.5(IDUA):c.866del (p.Lys289fs)

Gene: IDUA (alpha-L-iduronidase; plus strand). Cytogenetic location: 4p16.3.
Variant type: Deletion.
Coding change: c.866del on transcript NM_000203.5 (MANE Select); coding-DNA position 866, one base deleted (A; older notation c.866delA).
Protein change: p.Lys289fs; shifts the reading frame from lysine 289.
Molecular consequence: frameshift variant. On other transcripts: non-coding transcript variant (1).
Genome position (GRCh38, 1-based): chr4:1,002,055, A deleted; the last of 2 consecutive A bases (chr4:1,002,054-1,002,055); deleting either gives the same sequence. VCF-style (leftmost placement, unchanged base first): chr4-1002053-CA-C. GRCh37 (hg19) VCF-style: chr4-995841-CA-C.
Other names: c.470del, p.Lys157fs (NM_001363576.1); short protein forms K289fs, K157fs.
Identifiers: ClinVar variation 2988325 (VCV002988325.3), dbSNP rs2534087492, ClinGen allele CA2740091080.

ClinVar aggregate classification (germline): Pathogenic (1 of 4 stars; one submission).

Conditions:
Mucopolysaccharidosis type 1. Also called: IDUA deficiency; MPS I; Mucopolysaccharidosis Type I. Identifiers: Orphanet 579, MedGen C0023786, MONDO:0001586.

Submission:

Labcorp Genetics (formerly Invitae), Labcorp
Classification: Pathogenic for Mucopolysaccharidosis type 1. Last evaluated: 2023-03-18. Review status: criteria provided, single submitter. Criteria: Invitae Variant Classification Sherloc (09022015). Collection method: clinical testing. Allele origin: germline.
Comment: This variant is not present in population databases (gnomAD no frequency). For these reasons, this variant has been classified as Pathogenic. This variant has not been reported in the literature in individuals affected with IDUA-related conditions. This sequence change creates a premature translational stop signal (p.Lys289Serfs*28) in the IDUA gene. It is expected to result in an absent or disrupted protein product. Loss-of-function variants in IDUA are known to be pathogenic (PMID: 11735025, 21480867).

Literature cited by the submitters: PubMed 11735025; PubMed 21480867.